The following is an entry in ClinVar:

ClinVar aggregate classification (germline): Benign/Likely benign. Review status: criteria provided, multiple submitters, no conflicts (2 of 4 stars). 4 submissions from 4 submitters: Benign (3); Likely benign (1). Last evaluated 2026-01-20.

Conditions:
Renal tubular dysgenesis. Also called: Renotubular dysgenesis. Identifiers: Orphanet 3033, MedGen C0266313, MONDO:0017609, HP:0008660.
Hemorrhage, intracerebral, susceptibility to (ICH). Also called: Stroke, hemorrhagic, susceptibility to. Identifiers: MedGen C3281105, MONDO:0100533, OMIM 614519.
Renal tubular dysgenesis of genetic origin. Also called: PRIMITIVE RENAL TUBULE SYNDROME. Identifiers: Orphanet 97369, MedGen C5681536, MONDO:0009970, OMIM 267430.
Microvascular complications of diabetes, susceptibility to, 3. Identifiers: MedGen C2675470, MONDO:0012963, OMIM 612624.

Allele frequency attached by ClinVar (database versions not stated): gnomAD exomes 0.00103 and 0.00253; ExAC 0.00314; 1000 Genomes Project 0.00919; gnomAD 0.00930 and 0.00991; ESP Exome Variant Server 0.01030; 1000 Genomes Project 30x 0.01031; TOPMed 0.01091.

Submissions (4):

Labcorp Genetics (formerly Invitae), Labcorp
Classification: Benign. Last evaluated: 2026-01-20. Review status: criteria provided, single submitter. Criteria: Invitae Variant Classification Sherloc (09022015). Collection method: clinical testing. Allele origin: germline.

Fulgent Genetics
Classification: Likely benign for Renal tubular dysgenesis of genetic origin; Microvascular complications of diabetes, susceptibility to, 3; Hemorrhage, intracerebral, susceptibility to. Last evaluated: 2021-11-18. Review status: criteria provided, single submitter. Criteria: ACMG Guidelines, 2015. Collection method: clinical testing. Allele origin: unknown.

Illumina Laboratory Services, Illumina
Classification: Benign for Renal tubular dysgenesis of genetic origin. Last evaluated: 2018-01-13. Review status: criteria provided, single submitter. Criteria: ICSL Variant Classification Criteria 13 December 2019. Collection method: clinical testing. Allele origin: germline.
Comment: This variant was observed in the ICSL laboratory as part of a predisposition screen in an ostensibly healthy population. It had not been previously curated by ICSL or reported in the Human Gene Mutation Database (HGMD: prior to June 1st, 2018), and was therefore a candidate for classification through an automated scoring system. Utilizing variant allele frequency, disease prevalence and penetrance estimates, and inheritance mode, an automated score was calculated to assess if this variant is too frequent to cause the disease. Based on the score and internal cut-off values, a variant classified as benign is not then subjected to further curation. The score for this variant resulted in a classification of benign for this disease.

Breakthrough Genomics
Classification: Benign. Review status: criteria provided, single submitter. Criteria: ACMG Guidelines, 2015. Collection method: not provided. Allele origin: germline. Inheritance: Autosomal recessive inheritance. Affected: yes.

NM_000789.4(ACE):c.1119-8C>T

Gene: ACE (angiotensin I converting enzyme; plus strand). Cytogenetic location: 17q23.3.
Variant type: single nucleotide variant.
Coding change: c.1119-8C>T on transcript NM_000789.4 (MANE Select); 8 bases into the intron before coding-DNA position 1119, C replaced by T.
Molecular consequence: intron variant.
Genome position (GRCh38, 1-based): chr17:63,482,458, C>T. VCF-style: chr17-63482458-C-T. GRCh37 (hg19) VCF-style: chr17-61559819-C-T.
Identifiers: ClinVar variation 777209 (VCV000777209.16), dbSNP rs114861086, ClinGen allele CA8699418.
Genomic context (GRCh38, chr17:63,482,458, plus strand): 5'-CCCTGTGCCCTGGCCCTGCCCTGTTCTGTCCATCCGTCACTCTCACCCTCGCCCTCTCTA[C>T]GCCCCAGGATCAAGCAGTGCACACGGGTCACGATGGACCAGCTCTCCACAGTGCACCATG-3'